The following is an entry in ClinVar:

ClinVar aggregate classification (germline): Uncertain significance (1 of 4 stars; one submission).

Conditions:
Ullrich congenital muscular dystrophy 2 (UCMD2). Identifiers: Orphanet 75840, MedGen C4225314, MONDO:0014654, OMIM 616470.
Bethlem myopathy 2 (BTHLM2). Identifiers: Orphanet 536516, Orphanet 610, MedGen C4225313, MONDO:0034022, OMIM 616471.

Submission:

Labcorp Genetics (formerly Invitae), Labcorp
Classification: Uncertain significance for Bethlem myopathy 2; Ullrich congenital muscular dystrophy 2. Last evaluated: 2021-02-27. Review status: criteria provided, single submitter. Criteria: Invitae Variant Classification Sherloc (09022015). Collection method: clinical testing. Allele origin: germline.
Comment: This sequence change replaces threonine with serine at codon 1353 of the COL12A1 protein (p.Thr1353Ser). The threonine residue is moderately conserved and there is a small physicochemical difference between threonine and serine. This variant is not present in population databases (ExAC no frequency). This variant has not been reported in the literature in individuals with COL12A1-related conditions. Algorithms developed to predict the effect of missense changes on protein structure and function (SIFT, PolyPhen-2, Align-GVGD) all suggest that this variant is likely to be tolerated, but these predictions have not been confirmed by published functional studies and their clinical significance is uncertain. Algorithms developed to predict the effect of sequence changes on RNA splicing suggest that this variant may create or strengthen a splice site, but this prediction has not been confirmed by published transcriptional studies. In summary, the available evidence is currently insufficient to determine the role of this variant in disease. Therefore, it has been classified as a Variant of Uncertain Significance.

NM_004370.6(COL12A1):c.4058C>G (p.Thr1353Ser)

Gene: COL12A1 (collagen type XII alpha 1 chain; minus strand). Cytogenetic location: 6q13.
Variant type: single nucleotide variant.
Coding change: c.4058C>G on transcript NM_004370.6 (MANE Select); coding-DNA position 4058, C replaced by G.
Protein change: p.Thr1353Ser; replaces threonine 1353 with serine.
Molecular consequence: missense variant.
Genome position (GRCh38, 1-based): chr6:75,151,230, G>C on the plus strand (C>G on the coding strand, the complement: COL12A1 is on the minus strand). VCF-style: chr6-75151230-G-C. GRCh37 (hg19) VCF-style: chr6-75860946-G-C.
Other names: c.566C>G, p.Thr189Ser (NM_080645.3); short protein forms T1353S, T189S.
Identifiers: ClinVar variation 1366277 (VCV001366277.8), dbSNP rs913180274, ClinGen allele CA364747184.